The following is an entry in ClinVar:

NM_004526.4(MCM2):c.1372G>A (p.Asp458Asn)

Gene: MCM2 (minichromosome maintenance complex component 2; plus strand). Cytogenetic location: 3q21.3.
Variant type: single nucleotide variant.
Coding change: c.1372G>A on transcript NM_004526.4 (MANE Select); coding-DNA position 1372, G replaced by A.
Protein change: p.Asp458Asn; replaces aspartic acid 458 with asparagine.
Molecular consequence: missense variant. On other transcripts: non-coding transcript variant (1).
Genome position (GRCh38, 1-based): chr3:127,608,967, G>A. VCF-style: chr3-127608967-G-A. GRCh37 (hg19) VCF-style: chr3-127327810-G-A.
Other names: short protein forms D458N.
Identifiers: ClinVar variation 2636737 (VCV002636737.1), dbSNP rs376973485, ClinGen allele CA2595867.

ClinVar aggregate classification (germline): Uncertain significance (1 of 4 stars; one submission).

Conditions:
MCM2-related disorder. Also called: MCM2-related condition.

Allele frequency attached by ClinVar (database versions not stated): ExAC 0.00001; gnomAD 0.00001; TOPMed 0.00005; ESP Exome Variant Server 0.00008.
gnomAD v4.1: 10 of 1,614,076 alleles (0.00062%); highest among the groups gnomAD compares: African/African-American, 0.0053%; no homozygotes.

Submission:

PreventionGenetics, part of Exact Sciences
Classification: Uncertain significance for MCM2-related condition. Last evaluated: 2023-03-06. Review status: criteria provided, single submitter. Criteria: ACMG Guidelines, 2015. Collection method: clinical testing. Allele origin: germline.
Comment: The MCM2 c.1372G>A variant is predicted to result in the amino acid substitution p.Asp458Asn. To our knowledge, this variant has not been reported in the literature. This variant is reported in 0.0062% of alleles in individuals of African descent in gnomAD. At this time, the clinical significance of this variant is uncertain due to the absence of conclusive functional and genetic evidence.